The following is an entry in ClinVar:

ClinVar aggregate classification (germline): Benign. Review status: criteria provided, multiple submitters, no conflicts (2 of 4 stars). 13 submissions from 13 submitters: Benign (8). 5 of the submissions do not count toward it. Last evaluated 2026-02-04.

Conditions:
Deficiency of alpha-mannosidase (MANSA). Also called: Mannosidosis, alpha-, types I and II; LYSOSOMAL ALPHA-D-MANNOSIDASE DEFICIENCY; Alpha-Mannosidosis. Identifiers: Orphanet 61, MedGen C0024748, MONDO:0009561, OMIM 248500.

Allele frequency attached by ClinVar (database versions not stated): 1000 Genomes Project 0.23942; 1000 Genomes Project 30x 0.24672; gnomAD exomes 0.25051; ESP Exome Variant Server 0.31855; ExAC 0.25665; gnomAD 0.29947 and 0.30800; TOPMed 0.29102.

Submissions (14):

Labcorp Genetics (formerly Invitae), Labcorp
Classification: Benign for Deficiency of alpha-mannosidase. Last evaluated: 2026-02-04. Review status: criteria provided, single submitter. Criteria: Invitae Variant Classification Sherloc (09022015). Collection method: clinical testing. Allele origin: germline.

Genome-Nilou Lab
Classification: Benign for Deficiency of alpha-mannosidase. Last evaluated: 2021-06-10. Review status: criteria provided, single submitter. Criteria: ACMG Guidelines, 2015. Collection method: clinical testing. Allele origin: germline. Affected: no.

GeneDx
Classification: Benign. Last evaluated: 2018-06-13. Review status: criteria provided, single submitter. Criteria: GeneDx Variant Classification (06012015). Collection method: clinical testing. Allele origin: germline. Affected: yes.
Comment: This variant is considered likely benign or benign based on one or more of the following criteria: it is a conservative change, it occurs at a poorly conserved position in the protein, it is predicted to be benign by multiple in silico algorithms, and/or has population frequency not consistent with disease.

Illumina Laboratory Services, Illumina
Classification: Benign for Deficiency of alpha-mannosidase. Last evaluated: 2018-01-12. Review status: criteria provided, single submitter. Criteria: ICSL Variant Classification Criteria 13 December 2019. Collection method: clinical testing. Allele origin: germline.
Comment: This variant was observed in the ICSL laboratory as part of a predisposition screen in an ostensibly healthy population. It had not been previously curated by ICSL or reported in the Human Gene Mutation Database (HGMD: prior to June 1st, 2018), and was therefore a candidate for classification through an automated scoring system. Utilizing variant allele frequency, disease prevalence and penetrance estimates, and inheritance mode, an automated score was calculated to assess if this variant is too frequent to cause the disease. Based on the score and internal cut-off values, a variant classified as benign is not then subjected to further curation. The score for this variant resulted in a classification of benign for this disease.

Laboratory for Molecular Medicine, Mass General Brigham Personalized Medicine
Classification: Benign. Last evaluated: 2016-03-28. Review status: criteria provided, single submitter. Criteria: LMM Criteria. Collection method: clinical testing. Allele origin: germline.
Comment: Variant identified in a genome or exome case(s) and assessed due to predicted null impact of the variant or pathogenic assertions in the literature or databases. Disclaimer: This variant has not undergone full assessment. The following are preliminary notes: Frequency, ClinVar assertions are B/LB

Eurofins Ntd Llc (ga)
Classification: Benign. Last evaluated: 2015-04-24. Review status: criteria provided, single submitter. Criteria: EGL Classification Definitions 2015. Collection method: clinical testing. Allele origin: germline. Observed: 13 variant alleles, 7 heterozygotes, 6 homozygotes.

Breakthrough Genomics
Classification: Benign. Review status: criteria provided, single submitter. Criteria: ACMG Guidelines, 2015. Collection method: not provided. Allele origin: germline. Inheritance: Autosomal recessive inheritance. Affected: yes.

PreventionGenetics, part of Exact Sciences
Classification: Benign. Review status: criteria provided, single submitter. Criteria: ACMG Guidelines, 2015. Collection method: clinical testing. Allele origin: germline.

Natera, Inc.
Classification: Benign for Alpha-mannosidosis. Last evaluated: 2020-09-16. Review status: no assertion criteria provided. Collection method: clinical testing. Allele origin: germline. Not counted in ClinVar's aggregate classification.

Mayo Clinic Laboratories, Mayo Clinic
Classification: Benign. Last evaluated: 2015-10-23. Review status: no assertion criteria provided. Collection method: clinical testing. Allele origin: unknown. Not counted in ClinVar's aggregate classification.

Clinical Genetics, Academic Medical Center
Classification: Benign. Review status: no assertion criteria provided. Collection method: clinical testing. Allele origin: germline. Affected: yes. Study: VKGL Data-share Consensus. Not counted in ClinVar's aggregate classification.

Diagnostic Laboratory, Department of Genetics, University Medical Center Groningen
Classification: Benign for Deficiency of alpha-mannosidase. Review status: no assertion criteria provided. Collection method: clinical testing. Allele origin: germline. Affected: yes. Study: VKGL Data-share Consensus. Not counted in ClinVar's aggregate classification.

Dr. Peter K. Rogan Lab, Western University
No classification provided (evidence only). Condition: Familial cancer of breast. Review status: no classification provided. Collection method: in vitro. Allele origin: not applicable. Functional consequence: retained intron. Not counted in ClinVar's aggregate classification.

Genetic Services Laboratory, University of Chicago
Classification: Likely benign for AllHighlyPenetrant. Review status: no assertion criteria provided. Collection method: clinical testing. Allele origin: germline. Inheritance: Autosomal recessive inheritance. Not counted in ClinVar's aggregate classification.
Comment: Likely benign based on allele frequency in 1000 Genomes Project or ESP global frequency and its presence in a patient with a rare or unrelated disease phenotype. NOT Sanger confirmed.

NM_000528.4(MAN2B1):c.832C>G (p.Leu278Val)

Gene: MAN2B1 (mannosidase alpha class 2B member 1; minus strand). Cytogenetic location: 19p13.13.
Variant type: single nucleotide variant.
Coding change: c.832C>G on transcript NM_000528.4 (MANE Select); coding-DNA position 832, C replaced by G.
Protein change: p.Leu278Val; replaces leucine 278 with valine.
Molecular consequence: missense variant.
Genome position (GRCh38, 1-based): chr19:12,663,394, G>C on the plus strand (C>G on the coding strand, the complement: MAN2B1 is on the minus strand). VCF-style: chr19-12663394-G-C. GRCh37 (hg19) VCF-style: chr19-12774208-G-C.
Other names: c.832C>G, p.Leu278Val (NM_001173498.2); short protein forms L278V.
Identifiers: ClinVar variation 93217 (VCV000093217.34), dbSNP rs1054486, ClinGen allele CA146747.